The following is an entry in ClinVar:

ClinVar aggregate classification (germline): Conflicting classifications of pathogenicity. Review status: criteria provided, conflicting classifications (1 of 4 stars). 3 submissions from 3 submitters: Uncertain significance (2); Likely benign (1). Last evaluated 2023-09-14.

Conditions:
Ehlers-Danlos syndrome, dermatosparaxis type. Also called: EDS VIIC; Ehlers-Danlos syndrome, type VII, autosomal recessive; Dermatosparaxis. Identifiers: Orphanet 1901, MedGen C2700425, MONDO:0009161, OMIM 225410.
Inborn genetic diseases. Identifiers: MedGen C0950123, MeSH D030342.

Allele frequency attached by ClinVar (database versions not stated): gnomAD 0.00003; gnomAD exomes 0.00012; ExAC 0.00019; 1000 Genomes Project 0.00020; 1000 Genomes Project 30x 0.00031.
gnomAD v4.1: 173 of 1,614,078 alleles (0.011%); highest among the groups gnomAD compares: South Asian, 0.18%; 3 homozygotes.

Submissions (3):

Blueprint Genetics
Classification: Likely benign. Last evaluated: 2023-09-14. Review status: criteria provided, single submitter. Criteria: ACMG Guidelines, 2015. Collection method: clinical testing. Allele origin: germline.

Ambry Genetics
Classification: Uncertain significance for Inborn genetic diseases. Last evaluated: 2022-02-11. Review status: criteria provided, single submitter. Criteria: Ambry Variant Classification Scheme 2023. Collection method: clinical testing. Allele origin: germline.

Labcorp Genetics (formerly Invitae), Labcorp
Classification: Uncertain significance for Ehlers-Danlos syndrome, dermatosparaxis type. Last evaluated: 2021-09-01. Review status: criteria provided, single submitter. Criteria: Invitae Variant Classification Sherloc (09022015). Collection method: clinical testing. Allele origin: germline.
Comment: This sequence change replaces proline with leucine at codon 1177 of the ADAMTS2 protein (p.Pro1177Leu). The proline residue is highly conserved and there is a moderate physicochemical difference between proline and leucine. This variant is present in population databases (rs532207723, ExAC 0.1%). This variant has not been reported in the literature in individuals affected with ADAMTS2-related conditions. Algorithms developed to predict the effect of missense changes on protein structure and function are either unavailable or do not agree on the potential impact of this missense change (SIFT: "Deleterious"; PolyPhen-2: "Benign"; Align-GVGD: "Class C0"). In summary, the available evidence is currently insufficient to determine the role of this variant in disease. Therefore, it has been classified as a Variant of Uncertain Significance.

NM_014244.5(ADAMTS2):c.3530C>T (p.Pro1177Leu)

Gene: ADAMTS2 (ADAM metallopeptidase with thrombospondin type 1 motif 2; minus strand). Cytogenetic location: 5q35.3.
Variant type: single nucleotide variant.
Coding change: c.3530C>T on transcript NM_014244.5 (MANE Select); coding-DNA position 3530, C replaced by T.
Protein change: p.Pro1177Leu; replaces proline 1177 with leucine.
Molecular consequence: missense variant.
Genome position (GRCh38, 1-based): chr5:179,113,973, G>A on the plus strand (C>T on the coding strand, the complement: ADAMTS2 is on the minus strand). VCF-style: chr5-179113973-G-A. GRCh37 (hg19) VCF-style: chr5-178540974-G-A.
Other names: short protein forms P1177L.
Identifiers: ClinVar variation 2056539 (VCV002056539.3), dbSNP rs532207723, ClinGen allele CA3595211.
Genomic context (GRCh38, chr5:179,113,973, plus strand): 5'-TCTTGGATTCTTTGGTTTCTGGTCTTTTCATAGGGGCTCGGTCGTCGAGGGATTAGGTTG[G>A]GTGGCTGGACTTCATCTTCCAGGCCATGGATTTTGTAGGGTTCATCTACGGCATTGGTTT-3'
Protein context (NP_055059.2, residues 1167-1187): IHGLEDEVQP[Pro1177Leu]NLIPRRPSPY